The following is an entry in ClinVar:

NM_000535.7(PMS2):c.24-14A>G

Gene: PMS2 (PMS1 homolog 2, mismatch repair system component; minus strand). Cytogenetic location: 7p22.1.
Variant type: single nucleotide variant.
Coding change: c.24-14A>G on transcript NM_000535.7 (MANE Select); 14 bases into the intron before coding-DNA position 24, A replaced by G.
Molecular consequence: intron variant.
Genome position (GRCh38, 1-based): chr7:6,006,045, T>C on the plus strand (A>G on the coding strand, the complement: PMS2 is on the minus strand). VCF-style: chr7-6006045-T-C. GRCh37 (hg19) VCF-style: chr7-6045676-T-C.
Other names: c.-52-1987A>G (NM_001322008.2); c.-242-1987A>G (NM_001322010.2, NM_001322004.2); c.-377-19A>G (NM_001322013.2, NM_001322003.2, NM_001322009.2); c.-856-19A>G (NM_001322012.2); c.-456-19A>G (NM_001322015.2); c.-192-14A>G (NM_001322007.2); c.-861-14A>G (NM_001322011.2); c.24-14A>G (NM_001322006.2, NM_001322014.2); and 1 more.
Identifiers: ClinVar variation 1395051 (VCV001395051.8), dbSNP rs2128847501, ClinGen allele CA2573141951.
Genomic context (GRCh38, chr7:6,006,045, plus strand): 5'-GGACTGACTTCCGATCAATAGGTTTGATGGCCTTAGCAGGTTCTGTACTAGAGAAATCAG[T>C]TACAAGAAACAAATCAAGTATTCAGCTATATATTTTCATCCTGATTTTAACTGTGGGAAA-3'

ClinVar aggregate classification (germline): Uncertain significance (1 of 4 stars; one submission).

Conditions:
Hereditary nonpolyposis colorectal neoplasms. Identifiers: MedGen C0009405, MeSH D003123.

Submission:

Labcorp Genetics (formerly Invitae), Labcorp
Classification: Uncertain significance for Hereditary nonpolyposis colorectal neoplasms. Last evaluated: 2022-11-25. Review status: criteria provided, single submitter. Criteria: Invitae Variant Classification Sherloc (09022015). Collection method: clinical testing. Allele origin: germline.
Comment: Algorithms developed to predict the effect of sequence changes on RNA splicing suggest that this variant may disrupt the consensus splice site. In summary, the available evidence is currently insufficient to determine the role of this variant in disease. Therefore, it has been classified as a Variant of Uncertain Significance. ClinVar contains an entry for this variant (Variation ID: 1395051). This variant has not been reported in the literature in individuals affected with PMS2-related conditions. This variant is not present in population databases (gnomAD no frequency). This sequence change falls in intron 1 of the PMS2 gene. It does not directly change the encoded amino acid sequence of the PMS2 protein.